The following is an entry in ClinVar:

ClinVar aggregate classification (germline): Likely pathogenic (3 of 4 stars; one submission).

Conditions:
RPE65-related recessive retinopathy. Also called: Recessive RPE65 retinopathy. Identifiers: MedGen CN305526, MONDO:0100368.

Allele frequency attached by ClinVar (database versions not stated): gnomAD 0.00001.
gnomAD v4.1: 1 of 1,613,860 alleles (0.000062%); highest among the groups gnomAD compares: East Asian, 0.0022%; no homozygotes.

Submission:

ClinGen Leber Congenital Amaurosis/early Onset Retinal Dystrophy Variant Curation Expert Panel, ClinGen
Classification: Likely pathogenic for RPE65-related recessive retinopathy. Last evaluated: 2026-09-22. Review status: reviewed by expert panel. Criteria: ClinGen LCAeoRD ACMG Specifications RPE65 V1.0.0. Collection method: curation. Allele origin: germline. Inheritance: Autosomal recessive inheritance.
Comment: The NM_000329.3(RPE65):c.997G>C (p.Gly333Arg) variant has been reported in at least 1 proband with early-onset severe retinal dystrophy who was homozygous for the variant (0.5 points, PMID: 33952291). This variant has also been reported in at least 1 proband with early-onset severe retinal dystrophy who was compound heterozygous with the c.1059dupG p.Lys354fs variant confirmed in trans (1 point, PMIDs: 31273949, 21602930), which was previously classified pathogenic by the ClinGen LCA / eoRD VCEP. This variant has also been reported in at least 1 proband with early-onset severe retinal dystrophy who was compound heterozygous with the NM_000329.3(RPE65):c.950C>T (p.Thr317Ile) which has not been classified by the ClinGen LCA / eoRD VCEP (0 points, PMID: 39206744) (1.5 total points, PM3). At least one proband harboring this variant exhibits a phenotype including clinical diagnosis of Leber congenital amaurosis (0.5 pt), congenital night blindness (0.5 pt), absent decreased rod ERG responses (0.5 pt), evidence of cone involvement on ERG (1 pt), symptomatic onset between birth and age five years (1 pt), and pigmentary retinopathy with attenuated vessels (0.5 pt), which together are specific for RPE65-related recessive retinopathy (4 points, PMID: 31273949 & 21602930, PP4). This variant is present in gnomAD v.4.1.1 at an allele frequency of 0.00002228, with 1/44882 total alleles in the East Asian population, which is lower than the ClinGen LCA / eoRD VCEP PM2_Supporting threshold of <0.0002 (PM2_Supporting). The computational predictor REVEL gives a score of 0.867, which is above the ClinGen LCA / eoRD VCEP threshold of ≥ 0.773 and predicts a damaging effect on RPE65 function (PP3_Moderate). In summary, this variant meets the criteria to be classified as Likely Pathogenic for RPE65-related recessive retinopathy based on the ACMG/AMP criteria applied, as specified by the ClinGen LCA/eoRD VCEP: PM3, PP3_Moderate, PM2_Supporting, PP4 (VCEP specifications version 1.0.0.)

NM_000329.3(RPE65):c.997G>C (p.Gly333Arg)

Gene: RPE65 (retinoid isomerohydrolase RPE65; minus strand). Cytogenetic location: 1p31.3.
Variant type: single nucleotide variant.
Coding change: c.997G>C on transcript NM_000329.3 (MANE Select); coding-DNA position 997, G replaced by C.
Protein change: p.Gly333Arg; replaces glycine 333 with arginine.
Molecular consequence: missense variant.
Genome position (GRCh38, 1-based): chr1:68,438,943, C>G on the plus strand (G>C on the coding strand, the complement: RPE65 is on the minus strand). VCF-style: chr1-68438943-C-G. GRCh37 (hg19) VCF-style: chr1-68904626-C-G.
Other names: NM_000329.3:c.997G>C; NM_000329.3(RPE65):c.997G>C; p.Gly333Arg; c.889G>C, p.Gly297Arg (NM_001406853.1); c.721G>C, p.Gly241Arg (NM_001406856.1, NM_001406857.1); c.997G>C, p.Gly333Arg (NM_001406859.1); short protein forms G241R, G297R, G333R.
Identifiers: ClinVar variation 3233353 (VCV003233353.2), dbSNP rs1459522532, ClinGen allele CA340744560.